The following is an entry in ClinVar:

NM_005051.3(QARS1):c.806C>T (p.Pro269Leu)

Gene: QARS1 (glutaminyl-tRNA synthetase 1; minus strand). Cytogenetic location: 3p21.31.
Variant type: single nucleotide variant.
Coding change: c.806C>T on transcript NM_005051.3 (MANE Select); coding-DNA position 806, C replaced by T.
Protein change: p.Pro269Leu; replaces proline 269 with leucine.
Molecular consequence: missense variant. On other transcripts: non-coding transcript variant (1).
Genome position (GRCh38, 1-based): chr3:49,101,425, G>A on the plus strand (C>T on the coding strand, the complement: QARS1 is on the minus strand). VCF-style: chr3-49101425-G-A. GRCh37 (hg19) VCF-style: chr3-49138858-G-A.
Other names: c.773C>T, p.Pro258Leu (NM_001272073.2); short protein forms P258L, P269L.
Identifiers: ClinVar variation 2193859 (VCV002193859.4), dbSNP rs1158340438, ClinGen allele CA352714279.

ClinVar aggregate classification (germline): Uncertain significance. Review status: criteria provided, multiple submitters, no conflicts (2 of 4 stars). 2 submissions from 2 submitters: Uncertain significance (2). Last evaluated 2022-07-25.

Conditions:
Diffuse cerebral and cerebellar atrophy - intractable seizures - progressive microcephaly syndrome. Also called: Microcephaly, progressive, with seizures and cerebral and cerebellar atrophy. Identifiers: Orphanet 404437, MedGen C4014239, MONDO:0014335, OMIM 615760.

Allele frequency attached by ClinVar (database versions not stated): TOPMed below 0.00001; gnomAD 0.00001; gnomAD exomes 0.00001.
gnomAD v4.1: 9 of 1,613,626 alleles (0.00056%); highest among the groups gnomAD compares: Non-Finnish European, 0.00076%; no homozygotes.

Submissions (2):

Labcorp Genetics (formerly Invitae), Labcorp
Classification: Uncertain significance for Diffuse cerebral and cerebellar atrophy - intractable seizures - progressive microcephaly syndrome. Last evaluated: 2022-07-25. Review status: criteria provided, single submitter. Criteria: Invitae Variant Classification Sherloc (09022015). Collection method: clinical testing. Allele origin: germline.
Comment: This sequence change replaces proline, which is neutral and non-polar, with leucine, which is neutral and non-polar, at codon 269 of the QARS protein (p.Pro269Leu). This variant is present in population databases (no rsID available, gnomAD 0.002%). This variant has not been reported in the literature in individuals affected with QARS-related conditions. Algorithms developed to predict the effect of missense changes on protein structure and function (SIFT, PolyPhen-2, Align-GVGD) all suggest that this variant is likely to be disruptive. In summary, the available evidence is currently insufficient to determine the role of this variant in disease. Therefore, it has been classified as a Variant of Uncertain Significance.

Revvity Omics, Revvity
Classification: Uncertain significance for Diffuse cerebral and cerebellar atrophy - intractable seizures - progressive microcephaly syndrome. Last evaluated: 2021-11-22. Review status: criteria provided, single submitter. Criteria: ACMG Guidelines, 2015. Collection method: clinical testing. Allele origin: germline.